The following is an entry in ClinVar:

NM_000171.4(GLRA1):c.605G>A (p.Gly202Glu)

Gene: GLRA1 (glycine receptor alpha 1; minus strand). Cytogenetic location: 5q33.1.
Variant type: single nucleotide variant.
Coding change: c.605G>A on transcript NM_000171.4 (MANE Select); coding-DNA position 605, G replaced by A.
Protein change: p.Gly202Glu; replaces glycine 202 with glutamic acid.
Molecular consequence: missense variant.
Genome position (GRCh38, 1-based): chr5:151,855,132, C>T on the plus strand (G>A on the coding strand, the complement: GLRA1 is on the minus strand). VCF-style: chr5-151855132-C-T. GRCh37 (hg19) VCF-style: chr5-151234693-C-T.
Other names: c.605G>A, p.Gly202Glu (NM_001146040.2); c.356G>A, p.Gly119Glu (NM_001292000.2); short protein forms G202E, G119E.
Identifiers: ClinVar variation 532837 (VCV000532837.11), dbSNP rs750242262, ClinGen allele CA3523641.
Genomic context (GRCh38, chr5:151,855,132, plus strand): 5'-TCCTTCTCTTCCTTCAAGATAAACTGGGGCAGAGTTAGTCCATCTGCTACCTGCACGGCT[C>T]CCTGTTCCTGCCACTCAAAGATGAGGTCATTCATCGTATATCCAACTGGGATGGGATCAG-3'
Protein context (NP_000162.2, residues 192-212): NDLIFEWQEQ[Gly202Glu]AVQVADGLTL

ClinVar aggregate classification (germline): Uncertain significance. Review status: criteria provided, multiple submitters, no conflicts (2 of 4 stars). 2 submissions from 2 submitters: Uncertain significance (2). Last evaluated 2023-03-01.

Conditions:
Hereditary hyperekplexia. Identifiers: Orphanet 3197, MedGen C4084968, MONDO:0021022.
Inborn genetic diseases. Identifiers: MedGen C0950123, MeSH D030342.

Allele frequency attached by ClinVar (database versions not stated): TOPMed below 0.00001; gnomAD 0.00001; gnomAD exomes 0.00001 and 0.00002; ExAC 0.00002.

Submissions (2):

Labcorp Genetics (formerly Invitae), Labcorp
Classification: Uncertain significance for Hereditary hyperekplexia. Last evaluated: 2023-03-01. Review status: criteria provided, single submitter. Criteria: Invitae Variant Classification Sherloc (09022015). Collection method: clinical testing. Allele origin: germline.
Comment: In summary, the available evidence is currently insufficient to determine the role of this variant in disease. Therefore, it has been classified as a Variant of Uncertain Significance. Advanced modeling of protein sequence and biophysical properties (such as structural, functional, and spatial information, amino acid conservation, physicochemical variation, residue mobility, and thermodynamic stability) performed at Invitae indicates that this missense variant is not expected to disrupt GLRA1 protein function. ClinVar contains an entry for this variant (Variation ID: 532837). This variant has not been reported in the literature in individuals affected with GLRA1-related conditions. This variant is present in population databases (rs750242262, gnomAD 0.003%). This sequence change replaces glycine, which is neutral and non-polar, with glutamic acid, which is acidic and polar, at codon 202 of the GLRA1 protein (p.Gly202Glu).

Ambry Genetics
Classification: Uncertain significance for Inborn genetic diseases. Last evaluated: 2021-09-17. Review status: criteria provided, single submitter. Criteria: Ambry Variant Classification Scheme 2023. Collection method: clinical testing. Allele origin: germline.